The following is an entry in ClinVar:

NM_198253.3(TERT):c.335C>G (p.Pro112Arg)

Gene: TERT (telomerase reverse transcriptase; minus strand). Cytogenetic location: 5p15.33.
Variant type: single nucleotide variant.
Coding change: c.335C>G on transcript NM_198253.3 (MANE Select); coding-DNA position 335, C replaced by G.
Protein change: p.Pro112Arg; replaces proline 112 with arginine.
Molecular consequence: missense variant. On other transcripts: non-coding transcript variant (2).
Genome position (GRCh38, 1-based): chr5:1,294,551, G>C on the plus strand (C>G on the coding strand, the complement: TERT is on the minus strand). VCF-style: chr5-1294551-G-C. GRCh37 (hg19) VCF-style: chr5-1294666-G-C.
Other names: c.335C>G, p.Pro112Arg (NM_001193376.3, NM_003219.1); short protein forms P112R.
Identifiers: ClinVar variation 2937236 (VCV002937236.3), dbSNP rs1751261491, ClinGen allele CA359058254.

ClinVar aggregate classification (germline): Uncertain significance (1 of 4 stars; one submission).

Conditions:
Dyskeratosis congenita, autosomal dominant 2. Identifiers: MedGen C3151443, MONDO:0013521, OMIM 613989.
Idiopathic Pulmonary Fibrosis. Also called: Idiopathic fibrosing alveolitis, chronic form; idiopathic fibrosing alveolitis. Identifiers: Orphanet 2032, MedGen C1800706, MeSH D054990, MONDO:0800504.

Submission:

Labcorp Genetics (formerly Invitae), Labcorp
Classification: Uncertain significance for Dyskeratosis congenita, autosomal dominant 2; Idiopathic Pulmonary Fibrosis. Last evaluated: 2022-12-05. Review status: criteria provided, single submitter. Criteria: Invitae Variant Classification Sherloc (09022015). Collection method: clinical testing. Allele origin: germline.
Comment: Advanced modeling of protein sequence and biophysical properties (such as structural, functional, and spatial information, amino acid conservation, physicochemical variation, residue mobility, and thermodynamic stability) performed at Invitae indicates that this missense variant is expected to disrupt TERT protein function. In summary, the available evidence is currently insufficient to determine the role of this variant in disease. Therefore, it has been classified as a Variant of Uncertain Significance. This sequence change replaces proline, which is neutral and non-polar, with arginine, which is basic and polar, at codon 112 of the TERT protein (p.Pro112Arg). This variant is not present in population databases (gnomAD no frequency). This variant has not been reported in the literature in individuals affected with TERT-related conditions.